The following is an entry in ClinVar:

ClinVar aggregate classification (germline): Likely benign (0 of 4 stars; one submission).

Conditions:
ZFHX3-related disorder. Also called: ZFHX3-related condition.

Allele frequency attached by ClinVar (database versions not stated): TOPMed 0.00005; 1000 Genomes Project 0.00040; ExAC 0.00044.
gnomAD v4.1: 315 of 1,504,528 alleles (0.021%); highest among the groups gnomAD compares: South Asian, 0.23%; 3 homozygotes.

Submission:

PreventionGenetics, part of Exact Sciences
Classification: Likely benign for ZFHX3-related condition. Last evaluated: 2019-05-13. Review status: no assertion criteria provided. Collection method: clinical testing. Allele origin: germline.
Comment: This variant is classified as likely benign based on ACMG/AMP sequence variant interpretation guidelines (Richards et al. 2015 PMID: 25741868, with internal and published modifications).

NM_006885.4(ZFHX3):c.2328G>A (p.Ala776=)

Gene: ZFHX3 (zinc finger homeobox 3; minus strand). Cytogenetic location: 16q22.3.
Variant type: single nucleotide variant.
Coding change: c.2328G>A on transcript NM_006885.4 (MANE Select); coding-DNA position 2328, G replaced by A.
Protein change: p.Ala776=; no amino-acid change (alanine 776 retained).
Molecular consequence: synonymous variant. On other transcripts: intron variant (1).
Genome position (GRCh38, 1-based): chr16:72,957,818, C>T on the plus strand (G>A on the coding strand, the complement: ZFHX3 is on the minus strand). VCF-style: chr16-72957818-C-T. GRCh37 (hg19) VCF-style: chr16-72991717-C-T.
Other names: c.2328G>A, p.Ala776= (NM_001386735.1); c.-23-6853G>A (NM_001164766.2).
Identifiers: ClinVar variation 3041886 (VCV003041886.2), dbSNP rs576903188, ClinGen allele CA8164481.